The following is an entry in ClinVar:

NM_024757.5(EHMT1):c.818A>G (p.Gln273Arg)

Gene: EHMT1 (euchromatic histone lysine methyltransferase 1; plus strand). Cytogenetic location: 9q34.3.
Variant type: single nucleotide variant.
Coding change: c.818A>G on transcript NM_024757.5 (MANE Select); coding-DNA position 818, A replaced by G.
Protein change: p.Gln273Arg; replaces glutamine 273 with arginine.
Molecular consequence: missense variant.
Genome position (GRCh38, 1-based): chr9:137,728,524, A>G. VCF-style: chr9-137728524-A-G. GRCh37 (hg19) VCF-style: chr9-140622976-A-G.
Other names: c.818A>G, p.Gln273Arg (NM_001145527.2, NM_001354263.2, NM_001354611.2); c.725A>G, p.Gln242Arg (NM_001354259.2, NM_001354612.2); short protein forms Q242R, Q273R.
Identifiers: ClinVar variation 1382676 (VCV001382676.6), dbSNP rs2135785234, ClinGen allele CA375772865.
Genomic context (GRCh38, chr9:137,728,524, plus strand): 5'-TCCCATCCCTTCATCAGTCGCTACCTCAGAACCAGTGCTACATGGCCACCACAAAATCAC[A>G]GACAGGTAAAGAGGACCCGGCAACTGTCTCTGCTCTTTGAATGTATGTTTCGAGCCTGCC-3'
Protein context (NP_079033.4, residues 263-283): NQCYMATTKS[Gln273Arg]TACLPFVLAA

ClinVar aggregate classification (germline): Uncertain significance (1 of 4 stars; one submission).

Conditions:
Kleefstra syndrome 1 (KLEFS1). Identifiers: Orphanet 261494, MedGen C0795833, MONDO:0027407, OMIM 610253.

Allele frequency attached by ClinVar (database versions not stated): gnomAD exomes below 0.00001.
gnomAD v4.1: 2 of 1,614,116 alleles (0.00012%); highest among the groups gnomAD compares: Non-Finnish European, 0.00017%; no homozygotes.

Submission:

Labcorp Genetics (formerly Invitae), Labcorp
Classification: Uncertain significance for Kleefstra syndrome 1. Last evaluated: 2021-10-27. Review status: criteria provided, single submitter. Criteria: Invitae Variant Classification Sherloc (09022015). Collection method: clinical testing. Allele origin: germline.
Comment: In summary, the available evidence is currently insufficient to determine the role of this variant in disease. Therefore, it has been classified as a Variant of Uncertain Significance. This sequence change replaces glutamine, a(n) neutral and polar amino acid, with arginine, a(n) basic and polar amino acid, at codon 273 of the EHMT1 protein (p.Gln273Arg). This variant is not present in population databases (gnomAD no frequency). This variant has not been reported in the literature in individuals affected with EHMT1-related conditions. Algorithms developed to predict the effect of missense changes on protein structure and function (SIFT, PolyPhen-2, Align-GVGD) all suggest that this variant is likely to be tolerated.